The following is an entry in ClinVar:

NM_172240.3(POC1B):c.34C>G (p.Arg12Gly)

Genes: POC1B (POC1 centriolar protein B; minus strand), POC1B-DUSP6 (POC1B-DUSP6 readthrough; minus strand), POC1B-GALNT4 (POC1B-GALNT4 readthrough; minus strand), LOC130008356 (ATAC-STARR-seq lymphoblastoid silent region 4693; plus strand). Cytogenetic location: 12q21.33.
Variant type: single nucleotide variant.
Coding change: c.34C>G on transcript NM_172240.3 (MANE Select); coding-DNA position 34, C replaced by G.
Protein change: p.Arg12Gly; replaces arginine 12 with glycine.
Molecular consequence: missense variant. On other transcripts: 5 prime UTR variant (1), non-coding transcript variant (2).
Genome position (GRCh38, 1-based): chr12:89,525,186, G>C on the plus strand (C>G on the coding strand, the complement: POC1B is on the minus strand). VCF-style: chr12-89525186-G-C. GRCh37 (hg19) VCF-style: chr12-89918963-G-C.
Other names: c.34C>G, p.Arg12Gly (NM_001199781.2); c.294C>G, p.Ser98Arg (NM_001199782.1); c.-93C>G (NM_001199777.2); short protein forms R12G, S98R.
Identifiers: ClinVar variation 2097073 (VCV002097073.4), dbSNP rs1200137384, ClinGen allele CA386008222.

ClinVar aggregate classification (germline): Uncertain significance (1 of 4 stars; one submission).

gnomAD v4.1: 1 of 1,611,950 alleles (0.000062%); highest among the groups gnomAD compares: African/African-American, 0.0013%; no homozygotes.

Submission:

Labcorp Genetics (formerly Invitae), Labcorp
Classification: Uncertain significance. Last evaluated: 2022-09-06. Review status: criteria provided, single submitter. Criteria: Invitae Variant Classification Sherloc (09022015). Collection method: clinical testing. Allele origin: germline.
Comment: Advanced modeling of protein sequence and biophysical properties (such as structural, functional, and spatial information, amino acid conservation, physicochemical variation, residue mobility, and thermodynamic stability) performed at Invitae indicates that this missense variant is not expected to disrupt POC1B protein function. In summary, the available evidence is currently insufficient to determine the role of this variant in disease. Therefore, it has been classified as a Variant of Uncertain Significance. This sequence change replaces arginine, which is basic and polar, with glycine, which is neutral and non-polar, at codon 12 of the POC1B protein (p.Arg12Gly). This variant is present in population databases (no rsID available, gnomAD 0.007%). This variant has not been reported in the literature in individuals affected with POC1B-related conditions.